The following is an entry in ClinVar:

ClinVar aggregate classification (germline): Uncertain significance. Review status: criteria provided, multiple submitters, no conflicts (2 of 4 stars). 2 submissions from 2 submitters: Uncertain significance (2). Last evaluated 2025-02-25.

Conditions:
Inborn genetic diseases. Identifiers: MedGen C0950123, MeSH D030342.

Submissions (2):

GeneDx
Classification: Uncertain significance. Last evaluated: 2025-02-25. Review status: criteria provided, single submitter. Criteria: GeneDx Variant Classification Process June 2021. Collection method: clinical testing. Allele origin: germline. Affected: yes.
Comment: Not observed at significant frequency in large population cohorts (gnomAD); In silico analysis supports that this missense variant has a deleterious effect on protein structure/function; Has not been previously published as pathogenic or benign to our knowledge

Ambry Genetics
Classification: Uncertain significance for Inborn genetic diseases. Last evaluated: 2023-01-06. Review status: criteria provided, single submitter. Criteria: Ambry Variant Classification Scheme 2023. Collection method: clinical testing. Allele origin: germline.

NM_004818.3(DDX23):c.723G>C (p.Lys241Asn)

Gene: DDX23 (DEAD-box helicase 23; minus strand). Cytogenetic location: 12q13.12.
Variant type: single nucleotide variant.
Coding change: c.723G>C on transcript NM_004818.3 (MANE Select); coding-DNA position 723, G replaced by C.
Protein change: p.Lys241Asn; replaces lysine 241 with asparagine.
Molecular consequence: missense variant.
Genome position (GRCh38, 1-based): chr12:48,837,554, C>G on the plus strand (G>C on the coding strand, the complement: DDX23 is on the minus strand). VCF-style: chr12-48837554-C-G. GRCh37 (hg19) VCF-style: chr12-49231337-C-G.
Other names: short protein forms K241N.
Identifiers: ClinVar variation 2474140 (VCV002474140.3), dbSNP rs1431918235, ClinGen allele CA384678376.